The following is an entry in ClinVar:

ClinVar aggregate classification (germline): Pathogenic (1 of 4 stars; one submission).

Conditions:
Hypercholesterolemia, familial, 4 (FHCL4). Also called: HYPERCHOLESTEROLEMIA, AUTOSOMAL RECESSIVE, 1; HYPERCHOLESTEROLEMIA, AUTOSOMAL RECESSIVE, 2. Identifiers: Orphanet 391665, MedGen C1863512, MONDO:0011374, OMIM 603813.

Submission:

Labcorp Genetics (formerly Invitae), Labcorp
Classification: Pathogenic for Hypercholesterolemia, familial, 4. Last evaluated: 2025-10-10. Review status: criteria provided, single submitter. Criteria: Invitae Variant Classification Sherloc (09022015). Collection method: clinical testing. Allele origin: germline.
Comment: This sequence change creates a premature translational stop signal (p.Ser6Trpfs*5) in the LDLRAP1 gene. It is expected to result in an absent or disrupted protein product. Loss-of-function variants in LDLRAP1 are known to be pathogenic (PMID: 11326085, 12464675). This variant is not present in population databases (gnomAD no frequency). This variant has not been reported in the literature in individuals affected with LDLRAP1-related conditions. For these reasons, this variant has been classified as Pathogenic.

Literature cited by the submitters: PubMed 11326085; PubMed 12464675.

NM_015627.3(LDLRAP1):c.17_20del (p.Ser6fs)

Genes: LDLRAP1 (low density lipoprotein receptor adaptor protein 1; plus strand), LOC129929773 (ATAC-STARR-seq lymphoblastoid silent region 456; plus strand). Cytogenetic location: 1p36.11.
Variant type: Deletion.
Coding change: c.17_20del on transcript NM_015627.3 (MANE Select); coding-DNA positions 17 to 20, 4 bases deleted (CGGC; older notation c.17_20delCGGC).
Protein change: p.Ser6fs; shifts the reading frame from serine 6.
Molecular consequence: frameshift variant.
Genome position (GRCh38, 1-based): chr1:25,543,715-25,543,718, CGGC deleted. VCF-style (leftmost placement, unchanged base first): chr1-25543714-TCGGC-T. GRCh37 (hg19) VCF-style: chr1-25870205-TCGGC-T.
Other names: short protein forms S6fs.
Identifiers: ClinVar variation 4781508 (VCV004781508.1).